The following is an entry in ClinVar:

NM_004260.4(RECQL4):c.3565C>T (p.His1189Tyr)

Gene: RECQL4 (RecQ like helicase 4; minus strand). Cytogenetic location: 8q24.3.
Variant type: single nucleotide variant.
Coding change: c.3565C>T on transcript NM_004260.4 (MANE Select); coding-DNA position 3565, C replaced by T.
Protein change: p.His1189Tyr; replaces histidine 1189 with tyrosine.
Molecular consequence: missense variant.
Genome position (GRCh38, 1-based): chr8:144,511,493, G>A on the plus strand (C>T on the coding strand, the complement: RECQL4 is on the minus strand). VCF-style: chr8-144511493-G-A. GRCh37 (hg19) VCF-style: chr8-145736876-G-A.
Other names: short protein forms H1189Y.
Identifiers: ClinVar variation 836783 (VCV000836783.5), dbSNP rs745930478, ClinGen allele CA187678099.

ClinVar aggregate classification (germline): Uncertain significance (1 of 4 stars; one submission).

Conditions:
Baller-Gerold syndrome (BGS). Also called: CRANIOSYNOSTOSIS WITH RADIAL DEFECTS. Identifiers: Orphanet 1225, MedGen C0265308, MONDO:0009039, OMIM 218600.

Allele frequency attached by ClinVar (database versions not stated): gnomAD 0.00001; TOPMed 0.00002.

Submission:

Labcorp Genetics (formerly Invitae), Labcorp
Classification: Uncertain significance for Baller-Gerold syndrome. Last evaluated: 2019-11-19. Review status: criteria provided, single submitter. Criteria: Invitae Variant Classification Sherloc (09022015). Collection method: clinical testing. Allele origin: germline.
Comment: In summary, the available evidence is currently insufficient to determine the role of this variant in disease. Therefore, it has been classified as a Variant of Uncertain Significance. Algorithms developed to predict the effect of missense changes on protein structure and function are either unavailable or do not agree on the potential impact of this missense change (SIFT: "Deleterious"; PolyPhen-2: "Not available"; Align-GVGD: "Class C15"). This variant has not been reported in the literature in individuals with RECQL4-related conditions. This variant is not present in population databases (ExAC no frequency). This sequence change replaces histidine with tyrosine at codon 1189 of the RECQL4 protein (p.His1189Tyr). The histidine residue is highly conserved and there is a moderate physicochemical difference between histidine and tyrosine.